The following is an entry in ClinVar:

NM_024312.5(GNPTAB):c.598A>T (p.Lys200Ter)

Gene: GNPTAB (N-acetylglucosamine-1-phosphate transferase subunits alpha and beta; minus strand). Cytogenetic location: 12q23.2.
Variant type: single nucleotide variant.
Coding change: c.598A>T on transcript NM_024312.5 (MANE Select); coding-DNA position 598, A replaced by T.
Protein change: p.Lys200Ter; replaces lysine 200 with a stop codon.
Molecular consequence: nonsense.
Genome position (GRCh38, 1-based): chr12:101,780,595, T>A on the plus strand (A>T on the coding strand, the complement: GNPTAB is on the minus strand). VCF-style: chr12-101780595-T-A. GRCh37 (hg19) VCF-style: chr12-102174373-T-A.
Other names: short protein forms K200*.
Identifiers: ClinVar variation 984348 (VCV000984348.4), dbSNP rs1953327561, ClinGen allele CA386304706.

ClinVar aggregate classification (germline): Likely pathogenic (1 of 4 stars; one submission).

Conditions:
GNPTAB-mucolipidosis. Also called: UDP-N-acetylglucosamine-1-phosphotransferase subunit alpha/beta deficiency. Identifiers: MedGen CN322573, MONDO:0100122.

Submission:

Myriad Genetics, Inc.
Classification: Likely pathogenic for GNPTAB-mucolipidosis. Last evaluated: 2019-12-29. Review status: criteria provided, single submitter. Criteria: Myriad Autosomal Dominant, Autosomal Recessive and X-Linked Classification Criteria (2023). Collection method: clinical testing. Allele origin: unknown.
Comment: NM_024312.4(GNPTAB):c.598A>T(K200*) is expected to be pathogenic in the context of GNPTAB-related disorders. This variant is predicted to lead to an abnormal or absent protein product due to the creation of a premature termination codon in GNPTAB, a gene where loss-of-function variants are known to be pathogenic. Please note: this variant was assessed in the context of healthy population screening.